The following is an entry in ClinVar:

NM_000257.4(MYH7):c.4394C>T (p.Ser1465Leu)

Genes: MHRT (myosin heavy chain associated RNA transcript; plus strand), MYH7 (myosin heavy chain 7; minus strand). Cytogenetic location: 14q11.2.
Variant type: single nucleotide variant.
Coding change: c.4394C>T on transcript NM_000257.4 (MANE Select); coding-DNA position 4394, C replaced by T.
Protein change: p.Ser1465Leu; replaces serine 1465 with leucine.
Molecular consequence: missense variant. On other transcripts: non-coding transcript variant (1).
Genome position (GRCh38, 1-based): chr14:23,417,278, G>A on the plus strand (C>T on the coding strand, the complement: MYH7 is on the minus strand). VCF-style: chr14-23417278-G-A. GRCh37 (hg19) VCF-style: chr14-23886487-G-A.
Other names: short protein forms S1465L.
Identifiers: ClinVar variation 915734 (VCV000915734.17), dbSNP rs1033511138, ClinGen allele CA389038715.

ClinVar aggregate classification (germline): Uncertain significance. Review status: criteria provided, multiple submitters, no conflicts (2 of 4 stars). 6 submissions from 6 submitters: Uncertain significance (6). Last evaluated 2025-06-11.

Conditions:
Cardiomyopathy (CMYO). Also called: Cardiomyopathies. Identifiers: Orphanet 167848, MedGen C0878544, MONDO:0004994, HP:0001638. Inheritance: Various modes of inheritance.
Hypertrophic cardiomyopathy. Also called: HYPERTROPHIC MYOCARDIOPATHY. Identifiers: Orphanet 217569, MedGen C0007194, MeSH D002312, MONDO:0005045, HP:0001639.

Allele frequency attached by ClinVar (database versions not stated): gnomAD 0.00001; gnomAD exomes 0.00001; TOPMed 0.00001.

Submissions (6):

Color Diagnostics, LLC DBA Color Health
Classification: Uncertain significance for Cardiomyopathy. Last evaluated: 2025-06-11. Review status: criteria provided, single submitter. Criteria: ACMG Guidelines, 2015. Collection method: clinical testing. Allele origin: germline.
Comment: This missense variant replaces serine with leucine at codon 1465 of the MYH7 protein. Computational prediction suggests that this variant may not impact protein structure and function. To our knowledge, functional studies have not been reported for this variant. This variant has not been reported in an individual affected with hypertrophic cardiomyopathy (PMID: 33495597) and in an individual affected with dilated cardiomyopathy (PMID: 21750094). This variant has been identified in 2/251392 chromosomes in the general population by the Genome Aggregation Database (gnomAD). The available evidence is insufficient to determine the role of this variant in disease conclusively. Therefore, this variant is classified as a Variant of Uncertain Significance.

Labcorp Genetics (formerly Invitae), Labcorp
Classification: Uncertain significance for Hypertrophic cardiomyopathy. Last evaluated: 2025-03-19. Review status: criteria provided, single submitter. Criteria: Invitae Variant Classification Sherloc (09022015). Collection method: clinical testing. Allele origin: germline.
Comment: This sequence change replaces serine, which is neutral and polar, with leucine, which is neutral and non-polar, at codon 1465 of the MYH7 protein (p.Ser1465Leu). This variant is present in population databases (no rsID available, gnomAD 0.0009%). This missense change has been observed in individual(s) with dilated cardiomyopathy (PMID: 21750094). ClinVar contains an entry for this variant (Variation ID: 915734). Invitae Evidence Modeling of protein sequence and biophysical properties (such as structural, functional, and spatial information, amino acid conservation, physicochemical variation, residue mobility, and thermodynamic stability) has been performed for this missense variant. However, the output from this modeling did not meet the statistical confidence thresholds required to predict the impact of this variant on MYH7 protein function. In summary, the available evidence is currently insufficient to determine the role of this variant in disease. Therefore, it has been classified as a Variant of Uncertain Significance.

All of Us Research Program, National Institutes of Health
Classification: Uncertain significance for Cardiomyopathy. Last evaluated: 2023-10-02. Review status: criteria provided, single submitter. Criteria: ACMG Guidelines, 2015. Collection method: clinical testing. Allele origin: germline. Inheritance: Autosomal dominant inheritance. Observed: 3 variant alleles, 3 heterozygotes.
Comment: This missense variant replaces serine with leucine at codon 1465 of the MYH7 protein. Computational prediction suggests that this variant may not impact protein structure and function (internally defined REVEL score threshold <= 0.5, PMID: 27666373). To our knowledge, functional studies have not been reported for this variant. This variant has not been reported in an individual affected with hypertrophic cardiomyopathy (PMID: 33495597) and in an individual affected with dilated cardiomyopathy (PMID: 21750094). This variant has been identified in 2/251392 chromosomes in the general population by the Genome Aggregation Database (gnomAD). The available evidence is insufficient to determine the role of this variant in disease conclusively. Therefore, this variant is classified as a Variant of Uncertain Significance.

This study involves interpretation of variants in research participants for the purpose of population health screening. Participant phenotype was not available at the time of variant classification. Additional details can be found in publication PMID: 35346344, PMCID: PMC8962531

Blueprint Genetics
Classification: Uncertain significance. Last evaluated: 2023-03-21. Review status: criteria provided, single submitter. Criteria: ACMG Guidelines, 2015. Collection method: clinical testing. Allele origin: germline.

Revvity Omics, Revvity
Classification: Uncertain significance. Last evaluated: 2022-04-26. Review status: criteria provided, single submitter. Criteria: ACMG Guidelines, 2015. Collection method: clinical testing. Allele origin: germline.

CHEO Genetics Diagnostic Laboratory, Children's Hospital of Eastern Ontario
Classification: Uncertain significance for Cardiomyopathy. Last evaluated: 2019-01-11. Review status: criteria provided, single submitter. Criteria: ACMG Guidelines, 2015. Collection method: clinical testing. Allele origin: germline.

Literature cited by the submitters: PubMed 21750094 (cited by 3 submitters); PubMed 33495597 (cited by Color Diagnostics, LLC DBA Color Health and All of Us Research Program, National Institutes of Health).